The following is an entry in ClinVar:

NM_001079872.2(CUL4B):c.925A>T (p.Met309Leu)

Gene: CUL4B (cullin 4B; minus strand). Cytogenetic location: Xq24.
Variant type: single nucleotide variant.
Coding change: c.925A>T on transcript NM_001079872.2 (MANE Select); coding-DNA position 925, A replaced by T.
Protein change: p.Met309Leu; replaces methionine 309 with leucine.
Molecular consequence: missense variant.
Genome position (GRCh38, 1-based): chrX:120,544,639, T>A on the plus strand (A>T on the coding strand, the complement: CUL4B is on the minus strand). VCF-style: chrX-120544639-T-A. GRCh37 (hg19) VCF-style: chrX-119678494-T-A.
Other names: c.940A>T, p.Met314Leu (NM_001330624.2); c.391A>T, p.Met131Leu (NM_001369145.1); c.979A>T, p.Met327Leu (NM_003588.4); short protein forms M314L, M309L, M327L, M131L.
Identifiers: ClinVar variation 2887634 (VCV002887634.3), dbSNP rs768363837, ClinGen allele CA414199631.

ClinVar aggregate classification (germline): Uncertain significance (1 of 4 stars; one submission).

Conditions:
X-linked intellectual disability Cabezas type (MRXSC). Also called: CABEZAS SYNDROME; MENTAL RETARDATION, X-LINKED, SYNDROMIC 15; Intellectual developmental disorder, X-linked syndromic, Cabezas type. Identifiers: Orphanet 85289, Orphanet 85293, MedGen C1845861, MONDO:0010306, OMIM 300354.

gnomAD v4.1: 3 of 1,204,562 alleles (0.00025%); highest among the groups gnomAD compares: Non-Finnish European, 0.00034%; no homozygotes.

Submission:

Labcorp Genetics (formerly Invitae), Labcorp
Classification: Uncertain significance for X-linked intellectual disability Cabezas type. Last evaluated: 2024-10-24. Review status: criteria provided, single submitter. Criteria: Invitae Variant Classification Sherloc (09022015). Collection method: clinical testing. Allele origin: germline.
Comment: This sequence change replaces methionine, which is neutral and non-polar, with leucine, which is neutral and non-polar, at codon 327 of the CUL4B protein (p.Met327Leu). This variant is not present in population databases (gnomAD no frequency). This variant has not been reported in the literature in individuals affected with CUL4B-related conditions. Invitae Evidence Modeling of protein sequence and biophysical properties (such as structural, functional, and spatial information, amino acid conservation, physicochemical variation, residue mobility, and thermodynamic stability) has been performed for this missense variant. However, the output from this modeling did not meet the statistical confidence thresholds required to predict the impact of this variant on CUL4B protein function. In summary, the available evidence is currently insufficient to determine the role of this variant in disease. Therefore, it has been classified as a Variant of Uncertain Significance.